The following is an entry in ClinVar:

ClinVar aggregate classification (germline): Likely benign. Review status: criteria provided, multiple submitters, no conflicts (2 of 4 stars). 3 submissions from 3 submitters: Likely benign (3). Last evaluated 2025-07-01.

Allele frequency attached by ClinVar (database versions not stated): ExAC 0.00001; gnomAD exomes 0.00002 and 0.00003; TOPMed 0.00002; gnomAD 0.00004; ESP Exome Variant Server 0.00008.

Submissions (3):

CeGaT Center for Human Genetics Tuebingen
Classification: Likely benign. Last evaluated: 2025-07-01. Review status: criteria provided, single submitter. Criteria: CeGaT Center For Human Genetics Tuebingen Variant Classification Criteria Version 2. Collection method: clinical testing. Allele origin: germline. Affected: yes. Observed: 1 variant allele.
Comment: LTBP4: BP4, BP7

Labcorp Genetics (formerly Invitae), Labcorp
Classification: Likely benign. Last evaluated: 2024-10-30. Review status: criteria provided, single submitter. Criteria: Invitae Variant Classification Sherloc (09022015). Collection method: clinical testing. Allele origin: germline.

GeneDx
Classification: Likely benign. Last evaluated: 2018-01-09. Review status: criteria provided, single submitter. Criteria: GeneDx Variant Classification (06012015). Collection method: clinical testing. Allele origin: germline. Affected: yes.
Comment: This variant is considered likely benign or benign based on one or more of the following criteria: it is a conservative change, it occurs at a poorly conserved position in the protein, it is predicted to be benign by multiple in silico algorithms, and/or has population frequency not consistent with disease.

NM_001042545.2(LTBP4):c.4176C>T (p.Phe1392=)

Gene: LTBP4 (latent transforming growth factor beta binding protein 4; plus strand). Cytogenetic location: 19q13.2.
Variant type: single nucleotide variant.
Coding change: c.4176C>T on transcript NM_001042545.2 (MANE Select); coding-DNA position 4176, C replaced by T.
Protein change: p.Phe1392=; no amino-acid change (phenylalanine 1392 retained).
Molecular consequence: synonymous variant.
Genome position (GRCh38, 1-based): chr19:40,627,165, C>T. VCF-style: chr19-40627165-C-T. GRCh37 (hg19) VCF-style: chr19-41133070-C-T.
Other names: c.4377C>T, p.Phe1459= (NM_001042544.1); c.4266C>T, p.Phe1422= (NM_003573.2).
Identifiers: ClinVar variation 514644 (VCV000514644.12), dbSNP rs376464510, ClinGen allele CA9449252.